The following is an entry in ClinVar:

NM_001478.5(B4GALNT1):c.754C>A (p.Arg252Ser)

Gene: B4GALNT1 (beta-1,4-N-acetyl-galactosaminyltransferase 1; minus strand). Cytogenetic location: 12q13.3.
Variant type: single nucleotide variant.
Coding change: c.754C>A on transcript NM_001478.5 (MANE Select); coding-DNA position 754, C replaced by A.
Protein change: p.Arg252Ser; replaces arginine 252 with serine.
Molecular consequence: missense variant.
Genome position (GRCh38, 1-based): chr12:57,629,105, G>T on the plus strand (C>A on the coding strand, the complement: B4GALNT1 is on the minus strand). VCF-style: chr12-57629105-G-T. GRCh37 (hg19) VCF-style: chr12-58022888-G-T.
Other names: c.589C>A, p.Arg197Ser (NM_001276468.2, NM_001413978.1); c.754C>A, p.Arg252Ser (NM_001413967.1, NM_001413968.1, NM_001413969.1 and 7 more transcripts); c.-234C>A (NM_001413981.1, NM_001413982.1, NM_001413983.1 and 1 more transcripts); short protein forms R197S, R252S.
Identifiers: ClinVar variation 2417393 (VCV002417393.6), dbSNP rs368334961, ClinGen allele CA6655654.

ClinVar aggregate classification (germline): Uncertain significance (1 of 4 stars; one submission).

Conditions:
Spastic paraplegia. Identifiers: MedGen C0037772, HP:0001258.

gnomAD v4.1: 2 of 1,599,432 alleles (0.00013%); highest among the groups gnomAD compares: Non-Finnish European, 0.00017%; no homozygotes.

Submission:

Labcorp Genetics (formerly Invitae), Labcorp
Classification: Uncertain significance for Spastic paraplegia. Last evaluated: 2023-03-23. Review status: criteria provided, single submitter. Criteria: Invitae Variant Classification Sherloc (09022015). Collection method: clinical testing. Allele origin: germline.
Comment: This sequence change replaces arginine, which is basic and polar, with serine, which is neutral and polar, at codon 252 of the B4GALNT1 protein (p.Arg252Ser). The frequency data for this variant in the population databases is considered unreliable, as metrics indicate poor data quality at this position in the gnomAD database. This variant has not been reported in the literature in individuals affected with B4GALNT1-related conditions. ClinVar contains an entry for this variant (Variation ID: 2417393). Advanced modeling of protein sequence and biophysical properties (such as structural, functional, and spatial information, amino acid conservation, physicochemical variation, residue mobility, and thermodynamic stability) performed at Invitae indicates that this missense variant is not expected to disrupt B4GALNT1 protein function. In summary, the available evidence is currently insufficient to determine the role of this variant in disease. Therefore, it has been classified as a Variant of Uncertain Significance.